The following is an entry in ClinVar:

NM_015164.4(PLEKHM2):c.2890G>T (p.Ala964Ser)

Gene: PLEKHM2 (pleckstrin homology and RUN domain containing M2; plus strand). Cytogenetic location: 1p36.21.
Variant type: single nucleotide variant.
Coding change: c.2890G>T on transcript NM_015164.4 (MANE Select); coding-DNA position 2890, G replaced by T.
Protein change: p.Ala964Ser; replaces alanine 964 with serine.
Molecular consequence: missense variant.
Genome position (GRCh38, 1-based): chr1:15,732,696, G>T. VCF-style: chr1-15732696-G-T. GRCh37 (hg19) VCF-style: chr1-16059191-G-T.
Other names: short protein forms A964S.
Identifiers: ClinVar variation 651086 (VCV000651086.8), dbSNP rs1571076902, ClinGen allele CA338575955.

ClinVar aggregate classification (germline): Uncertain significance (1 of 4 stars; one submission).

Allele frequency attached by ClinVar (database versions not stated): gnomAD exomes below 0.00001.
gnomAD v4.1: 2 of 1,610,020 alleles (0.00012%); highest among the groups gnomAD compares: African/African-American, 0.0013%; no homozygotes.

Submission:

Labcorp Genetics (formerly Invitae), Labcorp
Classification: Uncertain significance. Last evaluated: 2024-11-24. Review status: criteria provided, single submitter. Criteria: Invitae Variant Classification Sherloc (09022015). Collection method: clinical testing. Allele origin: germline.
Comment: This sequence change replaces alanine, which is neutral and non-polar, with serine, which is neutral and polar, at codon 964 of the PLEKHM2 protein (p.Ala964Ser). This variant is not present in population databases (gnomAD no frequency). This variant has not been reported in the literature in individuals affected with PLEKHM2-related conditions. ClinVar contains an entry for this variant (Variation ID: 651086). An algorithm developed to predict the effect of missense changes on protein structure and function (PolyPhen-2) suggests that this variant is likely to be tolerated. In summary, the available evidence is currently insufficient to determine the role of this variant in disease. Therefore, it has been classified as a Variant of Uncertain Significance.